The following is an entry in ClinVar:

NM_002691.4(POLD1):c.1036G>T (p.Glu346Ter)

Gene: POLD1 (DNA polymerase delta 1, catalytic subunit; plus strand). Cytogenetic location: 19q13.33.
Variant type: single nucleotide variant.
Coding change: c.1036G>T on transcript NM_002691.4 (MANE Select); coding-DNA position 1036, G replaced by T.
Protein change: p.Glu346Ter; replaces glutamic acid 346 with a stop codon.
Molecular consequence: nonsense. On other transcripts: non-coding transcript variant (1).
Genome position (GRCh38, 1-based): chr19:50,403,118, G>T. VCF-style: chr19-50403118-G-T. GRCh37 (hg19) VCF-style: chr19-50906375-G-T.
Other names: c.1036G>T, p.Glu346Ter (NM_001256849.1, NM_001308632.1); short protein forms E346*.
Identifiers: ClinVar variation 423367 (VCV000423367.2), dbSNP rs1064796383, ClinGen allele CA16620886.
Genomic context (GRCh38, chr19:50,403,118, plus strand): 5'-TTCCCTGAGCCTGAGCGGGACCCTGTCATCCAGATCTGCTCGCTGGGCCTGCGCTGGGGG[G>T]AGCCGGAGCCCTTCCTACGCCTGGCGCTCACCCTGCGGCCCTGTGCCCCCATCCTGGGTG-3'

ClinVar aggregate classification (germline): Uncertain significance (1 of 4 stars; one submission).

Submission:

GeneDx
Classification: Uncertain significance. Last evaluated: 2017-02-03. Review status: criteria provided, single submitter. Criteria: GeneDx Variant Classification (06012015). Collection method: clinical testing. Allele origin: germline. Affected: yes.
Comment: This variant is denoted POLD1 c.1036G>T at the cDNA level and p.Glu346Ter (E346X) at the protein level. The substitution creates a nonsense variant, which changes a Glutamic Acid to a premature stop codon (GAG>TAG). Although this variant has not, to our knowledge, been reported in the literature, it is predicted to cause loss of normal protein function through either protein truncation or nonsense-mediated mRNA decay. While some missense variants in POLD1 have been recognized as an underlying cause of Polymerase Proofreading-Associated Polyposis (PPAP), there are no data at this time to support that loss-of-function variants confer the same cancer risks. We therefore consider this variant to be of uncertain significance with respect to cancer